The following is an entry in ClinVar:

NM_000548.5(TSC2):c.1443+9C>T

Gene: TSC2 (TSC complex subunit 2; plus strand). Cytogenetic location: 16p13.3.
Variant type: single nucleotide variant.
Coding change: c.1443+9C>T on transcript NM_000548.5 (MANE Select); 9 bases into the intron after coding-DNA position 1443, C replaced by T.
Molecular consequence: intron variant.
Genome position (GRCh38, 1-based): chr16:2,063,062, C>T. VCF-style: chr16-2063062-C-T. GRCh37 (hg19) VCF-style: chr16-2113063-C-T.
Other names: c.99+9C>T (NM_001406693.1, NM_001406689.1, NM_001406690.1 and 6 more transcripts); c.1533+9C>T (NM_001406667.1, NM_001406668.1); c.843+9C>T (NM_001406680.1, NM_001406683.1, NM_001406687.1 and 6 more transcripts); c.-160+462C>T (NM_001406698.1); c.1443+9C>T (NM_001114382.3, NM_001406663.1, NM_001406664.1 and 6 more transcripts); c.1431+9C>T (NM_001406671.1, NM_001406673.1); c.981+9C>T (NM_001406681.1); c.1332+9C>T (NM_001406670.1, NM_001318827.2, NM_001406678.1); and 3 more.
Identifiers: ClinVar variation 4071274 (VCV004071274.1).

ClinVar aggregate classification (germline): Likely benign (1 of 4 stars; one submission).

Conditions:
Tuberous sclerosis 2 (TSC2). Identifiers: Orphanet 805, MedGen C1860707, MONDO:0013199, OMIM 613254.

Submission:

Myriad Genetics, Inc.
Classification: Likely benign for Tuberous sclerosis 2. Last evaluated: 2025-05-14. Review status: criteria provided, single submitter. Criteria: Myriad Autosomal Dominant, Autosomal Recessive and X-Linked Classification Criteria (2023). Collection method: clinical testing. Allele origin: unknown.
Comment: This variant is considered likely benign. This variant is intronic and is not expected to impact mRNA splicing.